The following is an entry in ClinVar:

NM_005188.4(CBL):c.2135A>G (p.Asp712Gly)

Gene: CBL (Cbl proto-oncogene; plus strand). Cytogenetic location: 11q23.3.
Variant type: single nucleotide variant.
Coding change: c.2135A>G on transcript NM_005188.4 (MANE Select); coding-DNA position 2135, A replaced by G.
Protein change: p.Asp712Gly; replaces aspartic acid 712 with glycine.
Molecular consequence: missense variant.
Genome position (GRCh38, 1-based): chr11:119,297,016, A>G. VCF-style: chr11-119297016-A-G. GRCh37 (hg19) VCF-style: chr11-119167726-A-G.
Other names: short protein forms D712G.
Identifiers: ClinVar variation 2806550 (VCV002806550.3), dbSNP rs1565272163, ClinGen allele CA382927330.

ClinVar aggregate classification (germline): Uncertain significance (1 of 4 stars; one submission).

Conditions:
RASopathy. Also called: Noonan spectrum disorder; rasopathies. Identifiers: Orphanet 536391, MedGen C5555857, MONDO:0021060.

gnomAD v4.1: 2 of 1,586,064 alleles (0.00013%); highest among the groups gnomAD compares: Non-Finnish European, 0.00017%; no homozygotes.

Submission:

Labcorp Genetics (formerly Invitae), Labcorp
Classification: Uncertain significance for RASopathy. Last evaluated: 2023-06-15. Review status: criteria provided, single submitter. Criteria: Invitae Variant Classification Sherloc (09022015). Collection method: clinical testing. Allele origin: germline.
Comment: This sequence change replaces aspartic acid, which is acidic and polar, with glycine, which is neutral and non-polar, at codon 712 of the CBL protein (p.Asp712Gly). This variant is not present in population databases (gnomAD no frequency). This variant has not been reported in the literature in individuals affected with CBL-related conditions. Advanced modeling of protein sequence and biophysical properties (such as structural, functional, and spatial information, amino acid conservation, physicochemical variation, residue mobility, and thermodynamic stability) performed at Invitae indicates that this missense variant is not expected to disrupt CBL protein function. In summary, the available evidence is currently insufficient to determine the role of this variant in disease. Therefore, it has been classified as a Variant of Uncertain Significance.